The following is an entry in ClinVar:

NM_000282.4(PCCA):c.184-17_184-16del

Gene: PCCA (propionyl-CoA carboxylase subunit alpha; plus strand). Cytogenetic location: 13q32.3.
Variant type: Microsatellite.
Coding change: c.184-17_184-16del on transcript NM_000282.4 (MANE Select); 17 bases into the intron before coding-DNA position 184 through 16 bases into the intron before coding-DNA position 184, 2 bases deleted (GT; older notation c.184-17_184-16delGT).
Molecular consequence: intron variant.
Genome position (GRCh38, 1-based): chr13:100,111,824-100,111,825, GT deleted; deleting any 2 consecutive bases within chr13:100,111,821-100,111,825 gives the same sequence; the c. name uses the placement nearest the transcript's 3' end. VCF-style (leftmost placement, unchanged base first): chr13-100111820-ATG-A. GRCh37 (hg19) VCF-style: chr13-100764074-ATG-A.
Other names: p.?; c.184-20_184-19delTG (NM_000282.3); c.184-17_184-16delGT (NM_000282.4, NM_000282.3); c.184-17_184-16del (NM_001178004.2, NM_001352605.2, NM_001352606.2 and 1 more transcripts); c.-683-17_-683-16del (NM_001352610.2, NM_001352611.2, NM_001352612.2); c.106-17_106-16del (NM_001127692.3, NM_001352607.2, NM_001352608.2).
Identifiers: ClinVar variation 196244 (VCV000196244.35), dbSNP rs111778723, ClinGen allele CA302925.

ClinVar aggregate classification (germline): Benign/Likely benign. Review status: criteria provided, multiple submitters, no conflicts (2 of 4 stars). 14 submissions from 13 submitters: Benign (8); Likely benign (1). 5 of the submissions do not count toward it. Last evaluated 2026-02-04.

Conditions:
Propionic acidemia (PROP). Also called: GLYCINEMIA, KETOTIC; HYPERGLYCINEMIA WITH KETOACIDOSIS AND LEUKOPENIA; KETOTIC HYPERGLYCINEMIA. Identifiers: Orphanet 35, MedGen C0268579, MONDO:0011628, OMIM 606054, HP:0003571.

Submissions (14):

Labcorp Genetics (formerly Invitae), Labcorp
Classification: Benign for Propionic acidemia. Last evaluated: 2026-02-04. Review status: criteria provided, single submitter. Criteria: Invitae Variant Classification Sherloc (09022015). Collection method: clinical testing. Allele origin: germline.

ARUP Laboratories, Molecular Genetics and Genomics, ARUP Laboratories
Classification: Benign for Propionic acidemia. Last evaluated: 2025-07-10. Review status: criteria provided, single submitter. Criteria: ARUP Molecular Germline Variant Investigation Process 2024. Collection method: clinical testing. Allele origin: germline.

Blueprint Genetics
Classification: Likely benign. Last evaluated: 2024-11-27. Review status: criteria provided, single submitter. Criteria: ACMG Guidelines, 2015. Collection method: clinical testing. Allele origin: germline.

Mayo Clinic Laboratories, Mayo Clinic
Classification: Benign. Last evaluated: 2023-05-09. Review status: criteria provided, single submitter. Criteria: ACMG Guidelines, 2015. Collection method: clinical testing. Allele origin: germline. Observed: 9 variant alleles.
Comment: BA1, BP4, BP7

Women's Health and Genetics/Laboratory Corporation of America, LabCorp
Classification: Benign. Last evaluated: 2019-10-17. Review status: criteria provided, single submitter. Criteria: LabCorp Variant Classification Summary - May 2015. Collection method: clinical testing. Allele origin: germline.
Comment: Variant summary: PCCA c.184-17_184-16delGT alters a nucleotide located close to a canonical splice site and therefore could affect mRNA splicing, leading to a significantly altered protein sequence. 5/5 computational tools predict no significant impact on normal splicing. However, these predictions have yet to be confirmed by functional studies. The variant allele was found at a frequency of 0.093 in 244140 control chromosomes in the gnomAD database, including 1230 homozygotes. The observed variant frequency is approximately 27-folds over the estimated maximal expected allele frequency for a pathogenic variant in PCCA causing Propionic Acidemia phenotype (0.0034), strongly suggesting that the variant is benign. Two ClinVar submissions (evaluation after 2014) cites the variant as benign. Based on the evidence outlined above, the variant was classified as benign.

GeneDx
Classification: Benign. Last evaluated: 2016-11-10. Review status: criteria provided, single submitter. Criteria: GeneDx Variant Classification (06012015). Collection method: clinical testing. Allele origin: germline. Affected: yes.
Comment: This variant is considered likely benign or benign based on one or more of the following criteria: it is a conservative change, it occurs at a poorly conserved position in the protein, it is predicted to be benign by multiple in silico algorithms, and/or has population frequency not consistent with disease.

PreventionGenetics, part of Exact Sciences
Classification: Benign. Last evaluated: 2016-02-23. Review status: criteria provided, single submitter. Criteria: ACMG Guidelines, 2015. Collection method: clinical testing. Allele origin: germline.

Eurofins Ntd Llc (ga)
Classification: Benign. Last evaluated: 2014-12-02. Review status: criteria provided, single submitter. Criteria: EGL Classification Definitions 2015. Collection method: clinical testing. Allele origin: germline. Observed: 1 variant allele, 1 heterozygote.

Institute of Medical Genetics and Genomics, Sir Ganga Ram Hospital
Classification: Benign for Propionic Acidemia. Last evaluated: 2011-01-01. Review status: criteria provided, single submitter. Criteria: Gupta et al. (Genet Test Mol Biomarkers 2016). Collection method: research. Allele origin: germline. Observed: 1 variant allele. Study: ORGANIC ACIDURIAS.
Comment: Splice site variation

Natera, Inc.
Classification: Benign for Propionic acidemia. Last evaluated: 2020-09-16. Review status: no assertion criteria provided. Collection method: clinical testing. Allele origin: germline. Not counted in ClinVar's aggregate classification.

Clinical Genetics, Academic Medical Center
Classification: Benign. Review status: no assertion criteria provided. Collection method: clinical testing. Allele origin: germline. Affected: yes. Study: VKGL Data-share Consensus. Not counted in ClinVar's aggregate classification.

Diagnostic Laboratory, Department of Genetics, University Medical Center Groningen
Classification: Benign. Review status: no assertion criteria provided. Collection method: clinical testing. Allele origin: germline. Affected: yes. Study: VKGL Data-share Consensus. Not counted in ClinVar's aggregate classification.

Genome Diagnostics Laboratory, University Medical Center Utrecht
Classification: Benign. Review status: no assertion criteria provided. Collection method: clinical testing. Allele origin: germline. Affected: yes. Study: VKGL Data-share Consensus. Not counted in ClinVar's aggregate classification.

GeneDx
Classification: Benign. Last evaluated: 2014-04-04. Review status: flagged submission. Criteria: GeneDx Variant Classification (06012015). Collection method: clinical testing. Allele origin: germline. Affected: yes. Not counted in ClinVar's aggregate classification.
Comment: The variant is found in UCD-MET panel(s).
ClinVar note: Reason: This record appears to be redundant with a more recent record from the same submitter.
ClinVar note: Notes: SCV000239102 appears to be redundant with SCV000569590.